The following is an entry in ClinVar:

NM_001379286.1(ZNF423):c.2535C>T (p.Thr845=)

Gene: ZNF423 (zinc finger protein 423; minus strand). Cytogenetic location: 16q12.1.
Variant type: single nucleotide variant.
Coding change: c.2535C>T on transcript NM_001379286.1 (MANE Select); coding-DNA position 2535, C replaced by T.
Protein change: p.Thr845=; no amino-acid change (threonine 845 retained).
Molecular consequence: synonymous variant.
Genome position (GRCh38, 1-based): chr16:49,636,641, G>A on the plus strand (C>T on the coding strand, the complement: ZNF423 is on the minus strand). VCF-style: chr16-49636641-G-A. GRCh37 (hg19) VCF-style: chr16-49670552-G-A.
Other names: p.Thr837=; c.2331C>T, p.Thr777= (NM_001271620.2); c.2160C>T, p.Thr720= (NM_001330533.2); c.2511C>T, p.Thr837= (NM_015069.5); c.2511C>T (NM_015069.4).
Identifiers: ClinVar variation 260527 (VCV000260527.16), dbSNP rs77996576, ClinGen allele CA8046489.

ClinVar aggregate classification (germline): Benign/Likely benign. Review status: criteria provided, multiple submitters, no conflicts (2 of 4 stars). 6 submissions from 6 submitters: Benign (5); Likely benign (1). Last evaluated 2026-02-02.

Conditions:
Nephronophthisis 14 (NPHP14). Identifiers: Orphanet 2318, MedGen C3539071, MONDO:0013916, OMIM 614844.

Allele frequency attached by ClinVar (database versions not stated): ESP Exome Variant Server 0.01554; TOPMed 0.01292; 1000 Genomes Project 0.01438; 1000 Genomes Project 30x 0.01749.
gnomAD v4.1: 3,607 of 1,614,026 alleles (0.22%); highest among the groups gnomAD compares: African/African-American, 4.1%; 69 homozygotes.

Submissions (6):

Labcorp Genetics (formerly Invitae), Labcorp
Classification: Benign for Nephronophthisis 14. Last evaluated: 2026-02-02. Review status: criteria provided, single submitter. Criteria: Invitae Variant Classification Sherloc (09022015). Collection method: clinical testing. Allele origin: germline.

Mayo Clinic Laboratories, Mayo Clinic
Classification: Benign. Last evaluated: 2024-09-27. Review status: criteria provided, single submitter. Criteria: ACMG Guidelines, 2015. Collection method: clinical testing. Allele origin: germline. Observed: 2 variant alleles.
Comment: BS1, BS2, BP4, BP7

Genome-Nilou Lab
Classification: Benign for Nephronophthisis 14. Last evaluated: 2021-12-05. Review status: criteria provided, single submitter. Criteria: ACMG Guidelines, 2015. Collection method: clinical testing. Allele origin: germline. Affected: no.

Fulgent Genetics
Classification: Likely benign for Nephronophthisis 14. Last evaluated: 2021-09-27. Review status: criteria provided, single submitter. Criteria: ACMG Guidelines, 2015. Collection method: clinical testing. Allele origin: unknown.

Breakthrough Genomics
Classification: Benign. Review status: criteria provided, single submitter. Criteria: ACMG Guidelines, 2015. Collection method: not provided. Allele origin: germline. Inheritance: Autosomal dominant inheritance. Affected: yes.

PreventionGenetics, part of Exact Sciences
Classification: Benign. Review status: criteria provided, single submitter. Criteria: ACMG Guidelines, 2015. Collection method: clinical testing. Allele origin: germline.